The following is an entry in ClinVar:

NM_001170629.2(CHD8):c.4802G>C (p.Gly1601Ala)

Gene: CHD8 (chromodomain helicase DNA binding protein 8; minus strand). Cytogenetic location: 14q11.2.
Variant type: single nucleotide variant.
Coding change: c.4802G>C on transcript NM_001170629.2 (MANE Select); coding-DNA position 4802, G replaced by C.
Protein change: p.Gly1601Ala; replaces glycine 1601 with alanine.
Molecular consequence: missense variant.
Genome position (GRCh38, 1-based): chr14:21,399,996, C>G on the plus strand (G>C on the coding strand, the complement: CHD8 is on the minus strand). VCF-style: chr14-21399996-C-G. GRCh37 (hg19) VCF-style: chr14-21868155-C-G.
Other names: c.3965G>C, p.Gly1322Ala (NM_020920.4); short protein forms G1322A, G1601A.
Identifiers: ClinVar variation 1683806 (VCV001683806.3), dbSNP rs1392208482, ClinGen allele CA388889718.

ClinVar aggregate classification (germline): Conflicting classifications of pathogenicity. Review status: criteria provided, conflicting classifications (1 of 4 stars). 2 submissions from 2 submitters: Uncertain significance (1); Likely benign (1). Last evaluated 2025-11-27.

Allele frequency attached by ClinVar (database versions not stated): gnomAD exomes below 0.00001; gnomAD 0.00001.
gnomAD v4.1: 3 of 1,613,052 alleles (0.00019%); highest among the groups gnomAD compares: Non-Finnish European, 0.00017%; no homozygotes.

Submissions (2):

Labcorp Genetics (formerly Invitae), Labcorp
Classification: Likely benign. Last evaluated: 2025-11-27. Review status: criteria provided, single submitter. Criteria: Invitae Variant Classification Sherloc (09022015). Collection method: clinical testing. Allele origin: germline.

GeneDx
Classification: Uncertain significance. Last evaluated: 2021-11-01. Review status: criteria provided, single submitter. Criteria: GeneDx Variant Classification Process June 2021. Collection method: clinical testing. Allele origin: germline. Affected: yes.
Comment: Not observed at significant frequency in large population cohorts (gnomAD); In silico analysis supports that this missense variant does not alter protein structure/function; Has not been previously published as pathogenic or benign to our knowledge